The following is an entry in ClinVar:

ClinVar aggregate classification (germline): Pathogenic/Likely pathogenic. Review status: criteria provided, multiple submitters, no conflicts (2 of 4 stars). 4 submissions from 4 submitters: Pathogenic (3); Likely pathogenic (1). Last evaluated 2023-04-26.

Conditions:
Severe early-childhood-onset retinal dystrophy (STGD1). Also called: Stargardt macular dystrophy; Juvenile onset macular degeneration; Stargardt disease 1; MACULAR DYSTROPHY WITH FLECKS, TYPE 1; STGD. Identifiers: Orphanet 364055, Orphanet 827, MedGen C1855465, MeSH D000080362, MONDO:0009549, OMIM 248200.
ABCA4-related disorder. Also called: ABCA4-related condition; ABCA4-related disorders. Identifiers: MedGen CN239167.

Allele frequency attached by ClinVar (database versions not stated): TOPMed below 0.00001; gnomAD 0.00001.
gnomAD v4.1: 1 of 1,582,616 alleles (0.000063%); highest among the groups gnomAD compares: African/African-American, 0.0013%; no homozygotes.

Submissions (4):

Labcorp Genetics (formerly Invitae), Labcorp
Classification: Pathogenic. Last evaluated: 2023-04-26. Review status: criteria provided, single submitter. Criteria: Invitae Variant Classification Sherloc (09022015). Collection method: clinical testing. Allele origin: germline.
Comment: ClinVar contains an entry for this variant (Variation ID: 1073023). For these reasons, this variant has been classified as Pathogenic. This sequence change creates a premature translational stop signal (p.Glu1501*) in the ABCA4 gene. It is expected to result in an absent or disrupted protein product. Loss-of-function variants in ABCA4 are known to be pathogenic (PMID: 10958761, 24938718, 25312043, 26780318). This variant is not present in population databases (gnomAD no frequency). This variant has not been reported in the literature in individuals affected with ABCA4-related conditions.

Blueprint Genetics
Classification: Likely pathogenic for ABCA4-related disorders. Last evaluated: 2022-11-18. Review status: criteria provided, single submitter. Criteria: ACMG Guidelines, 2015. Collection method: clinical testing. Allele origin: germline. Affected: yes. Observed: 2 variant alleles.

GeneDx
Classification: Pathogenic. Last evaluated: 2022-06-23. Review status: criteria provided, single submitter. Criteria: GeneDx Variant Classification Process June 2021. Collection method: clinical testing. Allele origin: germline. Affected: yes.
Comment: Nonsense variant predicted to result in protein truncation or nonsense mediated decay in a gene for which loss-of-function is a known mechanism of disease; Not observed in large population cohorts (gnomAD); Has not been previously published as pathogenic or benign to our knowledge

Center for Human Genetics and Genomic Medicine, Uniklinik Rwth Aachen
Classification: Pathogenic for Severe early-childhood-onset retinal dystrophy. Review status: criteria provided, single submitter. Criteria: ACMG Guidelines, 2015. Collection method: clinical testing. Allele origin: unknown. Inheritance: Autosomal recessive inheritance. Affected: yes.
Comment: the detected variant is reported once in gnomAD (1/1582616), and has been reported as pathogenic to ClinVar. It creates a nonsense coding effect and was classified as pathogenic (ACMG: PVS1, PS1, PM2, PM3, PP3)

Literature cited by the submitters: PubMed 10958761 (cited by Labcorp Genetics (formerly Invitae), Labcorp); PubMed 24938718 (cited by Labcorp Genetics (formerly Invitae), Labcorp); PubMed 25312043 (cited by Labcorp Genetics (formerly Invitae), Labcorp); PubMed 26780318 (cited by Labcorp Genetics (formerly Invitae), Labcorp).

NM_000350.3(ABCA4):c.4501G>T (p.Glu1501Ter)

Gene: ABCA4 (ATP binding cassette subfamily A member 4; minus strand). Cytogenetic location: 1p22.1.
Variant type: single nucleotide variant.
Coding change: c.4501G>T on transcript NM_000350.3 (MANE Select); coding-DNA position 4501, G replaced by T.
Protein change: p.Glu1501Ter; replaces glutamic acid 1501 with a stop codon.
Molecular consequence: nonsense.
Genome position (GRCh38, 1-based): chr1:94,029,483, C>A on the plus strand (G>T on the coding strand, the complement: ABCA4 is on the minus strand). VCF-style: chr1-94029483-C-A. GRCh37 (hg19) VCF-style: chr1-94495039-C-A.
Other names: c.4279G>T, p.Glu1427Ter (NM_001425324.1); short protein forms E1501*, E1427*.
Identifiers: ClinVar variation 1073023 (VCV001073023.10), dbSNP rs888059763, ClinGen allele CA26853486.